The following is an entry in ClinVar:

ClinVar aggregate classification (germline): Uncertain significance (1 of 4 stars; one submission).

Conditions:
Arrhythmogenic right ventricular dysplasia 10. Also called: Arrhythmogenic Right Ventricular Dysplasia/Cardiomyopathy10; ARRHYTHMOGENIC RIGHT VENTRICULAR DYSPLASIA, FAMILIAL, 10; Arrhythmogenic right ventricular dysplasia/cardiomyopathy, type 10. Identifiers: MedGen C1857777, MONDO:0012434, OMIM 610193.

Submission:

Labcorp Genetics (formerly Invitae), Labcorp
Classification: Uncertain significance for Arrhythmogenic right ventricular dysplasia 10. Last evaluated: 2023-01-15. Review status: criteria provided, single submitter. Criteria: Invitae Variant Classification Sherloc (09022015). Collection method: clinical testing. Allele origin: germline.
Comment: In summary, the available evidence is currently insufficient to determine the role of this variant in disease. Therefore, it has been classified as a Variant of Uncertain Significance. Experimental studies and prediction algorithms are not available or were not evaluated, and the functional significance of this variant is currently unknown. This variant has not been reported in the literature in individuals affected with DSG2-related conditions. This variant is not present in population databases (gnomAD no frequency). This sequence change creates a premature translational stop signal (p.Gln1042Thrfs*25) in the DSG2 gene. While this is not anticipated to result in nonsense mediated decay, it is expected to disrupt the last 77 amino acid(s) of the DSG2 protein.

NM_001943.5(DSG2):c.3123dup (p.Gln1042fs)

Genes: DSG2 (desmoglein 2; plus strand), DSG2-AS1 (DSG2 antisense RNA 1; minus strand). Cytogenetic location: 18q12.1.
Variant type: Duplication.
Coding change: c.3123dup on transcript NM_001943.5 (MANE Select); coding-DNA position 3123, one base duplicated (A; older notation c.3123dupA).
Protein change: p.Gln1042fs; shifts the reading frame from glutamine 1042.
Molecular consequence: frameshift variant.
Genome position (GRCh38, 1-based): chr18:31,546,509, A duplicated. VCF-style (leftmost placement, unchanged base first): chr18-31546508-G-GA. GRCh37 (hg19) VCF-style: chr18-29126471-G-GA.
Other names: short protein forms Q1042fs.
Identifiers: ClinVar variation 2828671 (VCV002828671.3), dbSNP rs2510922750, ClinGen allele CA2739268640.